The following is an entry in ClinVar:

ClinVar aggregate classification (germline): Uncertain significance (1 of 4 stars; one submission).

Allele frequency attached by ClinVar (database versions not stated): gnomAD exomes below 0.00001; ExAC 0.00002; gnomAD 0.00002; TOPMed 0.00002.
gnomAD v4.1: 4 of 1,613,772 alleles (0.00025%); highest among the groups gnomAD compares: African/African-American, 0.004%; no homozygotes.

Submission:

Labcorp Genetics (formerly Invitae), Labcorp
Classification: Uncertain significance. Last evaluated: 2023-08-05. Review status: criteria provided, single submitter. Criteria: Invitae Variant Classification Sherloc (09022015). Collection method: clinical testing. Allele origin: germline.
Comment: This sequence change replaces asparagine, which is neutral and polar, with lysine, which is basic and polar, at codon 576 of the ERBB4 protein (p.Asn576Lys). This variant is present in population databases (rs762106006, gnomAD 0.02%). This variant has not been reported in the literature in individuals affected with ERBB4-related conditions. Advanced modeling of protein sequence and biophysical properties (such as structural, functional, and spatial information, amino acid conservation, physicochemical variation, residue mobility, and thermodynamic stability) performed at Invitae indicates that this missense variant is not expected to disrupt ERBB4 protein function. In summary, the available evidence is currently insufficient to determine the role of this variant in disease. Therefore, it has been classified as a Variant of Uncertain Significance.

NM_005235.3(ERBB4):c.1728C>G (p.Asn576Lys)

Gene: ERBB4 (erb-b2 receptor tyrosine kinase 4; minus strand). Cytogenetic location: 2q34.
Variant type: single nucleotide variant.
Coding change: c.1728C>G on transcript NM_005235.3 (MANE Select); coding-DNA position 1728, C replaced by G.
Protein change: p.Asn576Lys; replaces asparagine 576 with lysine.
Molecular consequence: missense variant.
Genome position (GRCh38, 1-based): chr2:211,665,466, G>C on the plus strand (C>G on the coding strand, the complement: ERBB4 is on the minus strand). VCF-style: chr2-211665466-G-C. GRCh37 (hg19) VCF-style: chr2-212530191-G-C.
Other names: c.1728C>G, p.Asn576Lys (NM_001042599.2); short protein forms N576K.
Identifiers: ClinVar variation 2778571 (VCV002778571.3), dbSNP rs762106006, ClinGen allele CA2088021.